The following is an entry in ClinVar:

ClinVar aggregate classification (germline): Uncertain significance (1 of 4 stars; one submission).

Conditions:
Werner syndrome (WRN). Identifiers: Orphanet 902, MedGen C0043119, MONDO:0010196, OMIM 277700.

gnomAD v4.1: 1 of 1,592,770 alleles (0.000063%); highest among the groups gnomAD compares: African/African-American, 0.0013%; no homozygotes.

Submission:

Labcorp Genetics (formerly Invitae), Labcorp
Classification: Uncertain significance for Werner syndrome. Last evaluated: 2024-04-22. Review status: criteria provided, single submitter. Criteria: Invitae Variant Classification Sherloc (09022015). Collection method: clinical testing. Allele origin: germline.
Comment: This sequence change replaces lysine, which is basic and polar, with arginine, which is basic and polar, at codon 1108 of the WRN protein (p.Lys1108Arg). This variant is not present in population databases (gnomAD no frequency). This variant has not been reported in the literature in individuals affected with WRN-related conditions. ClinVar contains an entry for this variant (Variation ID: 565383). Algorithms developed to predict the effect of missense changes on protein structure and function output the following: SIFT: "Not Available"; PolyPhen-2: "Benign"; Align-GVGD: "Not Available". The arginine amino acid residue is found in multiple mammalian species, which suggests that this missense change does not adversely affect protein function. Algorithms developed to predict the effect of sequence changes on RNA splicing suggest that this variant may disrupt the consensus splice site. In summary, the available evidence is currently insufficient to determine the role of this variant in disease. Therefore, it has been classified as a Variant of Uncertain Significance.

NM_000553.6(WRN):c.3323A>G (p.Lys1108Arg)

Gene: WRN (WRN RecQ like helicase; plus strand). Cytogenetic location: 8p12.
Variant type: single nucleotide variant.
Coding change: c.3323A>G on transcript NM_000553.6 (MANE Select); coding-DNA position 3323, A replaced by G.
Protein change: p.Lys1108Arg; replaces lysine 1108 with arginine.
Molecular consequence: missense variant.
Genome position (GRCh38, 1-based): chr8:31,143,563, A>G. VCF-style: chr8-31143563-A-G. GRCh37 (hg19) VCF-style: chr8-31001079-A-G.
Other names: short protein forms K1108R.
Identifiers: ClinVar variation 565383 (VCV000565383.5), dbSNP rs201274303, ClinGen allele CA370924013.
Genomic context (GRCh38, chr8:31,143,563, plus strand): 5'-AGTTTTTTGAAACTTTTTTTAATGGACCTTTATATGTTTAAATGCAGTCTAACTTGGAGA[A>G]GTTATATTCTTATAAACCATGTGATAAGATTTCTTCTGGGAGTAACATTTCTAAAAAAAG-3'
Protein context (NP_000544.2, residues 1098-1118): LSTEKKSNLE[Lys1108Arg]LYSYKPCDKI